The following is an entry in ClinVar:

ClinVar aggregate classification (germline): Pathogenic (1 of 4 stars; one submission).

Conditions:
Glycine encephalopathy. Also called: Nonketotic hyperglycinemia; Non-ketotic hyperglycinemia. Identifiers: Orphanet 407, MedGen C0751748, MONDO:0011612, HP:0008288.

Submission:

Labcorp Genetics (formerly Invitae), Labcorp
Classification: Pathogenic for Glycine encephalopathy. Last evaluated: 2025-05-01. Review status: criteria provided, single submitter. Criteria: Invitae Variant Classification Sherloc (09022015). Collection method: clinical testing. Allele origin: germline.
Comment: This sequence change creates a premature translational stop signal (p.Ala192Serfs*8) in the GLDC gene. It is expected to result in an absent or disrupted protein product. Loss-of-function variants in GLDC are known to be pathogenic (PMID: 16601880). This variant is not present in population databases (gnomAD no frequency). This variant has not been reported in the literature in individuals affected with GLDC-related conditions. ClinVar contains an entry for this variant (Variation ID: 2854030). For these reasons, this variant has been classified as Pathogenic.

Literature cited by the submitters: PubMed 16601880.

NM_000170.3(GLDC):c.573_574insA (p.Ala192fs)

Gene: GLDC (glycine decarboxylase; minus strand). Cytogenetic location: 9p24.1.
Variant type: Insertion.
Coding change: c.573_574insA on transcript NM_000170.3 (MANE Select); coding-DNA positions 573 to 574, A inserted.
Protein change: p.Ala192fs; shifts the reading frame from alanine 192.
Molecular consequence: frameshift variant.
Genome position: GRCh38 VCF-style: chr9-6610253-C-CT. GRCh37 (hg19) VCF-style: chr9-6610253-C-CT.
Other names: short protein forms A192fs.
Identifiers: ClinVar variation 2854030 (VCV002854030.3), dbSNP rs2489110954, ClinGen allele CA2739269150.